The following is an entry in ClinVar:

NM_001286445.3(RIPOR2):c.2394G>C (p.Lys798Asn)

Gene: RIPOR2 (RHO family interacting cell polarization regulator 2; minus strand). Cytogenetic location: 6p22.3.
Variant type: single nucleotide variant.
Coding change: c.2394G>C on transcript NM_001286445.3 (MANE Select); coding-DNA position 2394, G replaced by C.
Protein change: p.Lys798Asn; replaces lysine 798 with asparagine.
Molecular consequence: missense variant.
Genome position (GRCh38, 1-based): chr6:24,830,621, C>G on the plus strand (G>C on the coding strand, the complement: RIPOR2 is on the minus strand). VCF-style: chr6-24830621-C-G. GRCh37 (hg19) VCF-style: chr6-24830849-C-G.
Other names: c.2307G>C, p.Lys769Asn (NM_001346031.2, NM_001346032.2); c.2457G>C, p.Lys819Asn (NM_014722.5); c.2457G>C (NM_014722.3); short protein forms K769N, K798N, K819N.
Identifiers: ClinVar variation 1680490 (VCV001680490.7), dbSNP rs888518442, ClinGen allele CA136170178.

ClinVar aggregate classification (germline): Uncertain significance. Review status: criteria provided, multiple submitters, no conflicts (2 of 4 stars). 2 submissions from 2 submitters: Uncertain significance (2). Last evaluated 2024-12-12.

Allele frequency attached by ClinVar (database versions not stated): gnomAD exomes 0.00001 and 0.00002.
gnomAD v4.1: 6 of 1,551,574 alleles (0.00039%); highest among the groups gnomAD compares: Admixed American, 0.012%; no homozygotes.

Submissions (2):

GeneDx
Classification: Uncertain significance. Last evaluated: 2024-12-12. Review status: criteria provided, single submitter. Criteria: GeneDx Variant Classification Process June 2021. Collection method: clinical testing. Allele origin: germline. Affected: yes.
Comment: In silico analysis indicates that this missense variant does not alter protein structure/function; Has not been previously published as pathogenic or benign to our knowledge

Labcorp Genetics (formerly Invitae), Labcorp
Classification: Uncertain significance. Last evaluated: 2022-06-27. Review status: criteria provided, single submitter. Criteria: Invitae Variant Classification Sherloc (09022015). Collection method: clinical testing. Allele origin: germline.
Comment: In summary, the available evidence is currently insufficient to determine the role of this variant in disease. Therefore, it has been classified as a Variant of Uncertain Significance. Algorithms developed to predict the effect of missense changes on protein structure and function are either unavailable or do not agree on the potential impact of this missense change (SIFT: "Tolerated"; PolyPhen-2: "Possibly Damaging"; Align-GVGD: "Class C0"). This variant has not been reported in the literature in individuals affected with FAM65B-related conditions. This variant is present in population databases (no rsID available, gnomAD 0.01%). This sequence change replaces lysine, which is basic and polar, with asparagine, which is neutral and polar, at codon 819 of the FAM65B protein (p.Lys819Asn).